The following is an entry in ClinVar:

NM_001267550.2(TTN):c.41097C>T (p.Phe13699=)

Gene: TTN (titin; minus strand). Cytogenetic location: 2q31.2.
Variant type: single nucleotide variant.
Coding change: c.41097C>T on transcript NM_001267550.2 (MANE Select); coding-DNA position 41097, C replaced by T.
Protein change: p.Phe13699=; no amino-acid change (phenylalanine 13699 retained).
Molecular consequence: synonymous variant.
Genome position (GRCh38, 1-based): chr2:178,636,630, G>A on the plus strand (C>T on the coding strand, the complement: TTN is on the minus strand). VCF-style: chr2-178636630-G-A. GRCh37 (hg19) VCF-style: chr2-179501357-G-A.
Other names: c.36174C>T, p.Phe12058= (NM_001256850.1); c.13902C>T, p.Phe4634= (NM_003319.4); c.33393C>T, p.Phe11131= (NM_133378.4); c.14277C>T, p.Phe4759= (NM_133432.3); c.14478C>T, p.Phe4826= (NM_133437.4).
Identifiers: ClinVar variation 467131 (VCV000467131.16), dbSNP rs377131448, ClinGen allele CA1996316.

ClinVar aggregate classification (germline): Likely benign. Review status: criteria provided, multiple submitters, no conflicts (2 of 4 stars). 4 submissions from 4 submitters: Likely benign (4). Last evaluated 2026-06-01.

Conditions:
Cardiovascular phenotype. Identifiers: MedGen CN230736.
Dilated cardiomyopathy 1G (CMD1G). Identifiers: Orphanet 154, MedGen C1858763, MONDO:0011400, OMIM 604145.
Autosomal recessive limb-girdle muscular dystrophy type 2J (LGMDR10). Also called: Limb-girdle muscular dystrophy, type 2J; MUSCULAR DYSTROPHY, LIMB-GIRDLE, AUTOSOMAL RECESSIVE 10. Identifiers: Orphanet 140922, MedGen C1837342, MONDO:0012127, OMIM 608807.

Allele frequency attached by ClinVar (database versions not stated): gnomAD 0.00001 and 0.00002; ExAC 0.00002; TOPMed 0.00002; gnomAD exomes 0.00003; ESP Exome Variant Server 0.00008.
gnomAD v4.1: 50 of 1,613,264 alleles (0.0031%); highest among the groups gnomAD compares: Non-Finnish European, 0.0036%; 1 homozygote.

Submissions (4):

CeGaT Center for Human Genetics Tuebingen
Classification: Likely benign. Last evaluated: 2026-06-01. Review status: criteria provided, single submitter. Criteria: CeGaT Center For Human Genetics Tuebingen Variant Classification Criteria Version 2. Collection method: clinical testing. Allele origin: germline. Affected: yes. Observed: 1 variant allele.
Comment: TTN: BP4, BP7

Labcorp Genetics (formerly Invitae), Labcorp
Classification: Likely benign for Dilated cardiomyopathy 1G; Autosomal recessive limb-girdle muscular dystrophy type 2J. Last evaluated: 2026-01-17. Review status: criteria provided, single submitter. Criteria: Invitae Variant Classification Sherloc (09022015). Collection method: clinical testing. Allele origin: germline.

Blueprint Genetics
Classification: Likely benign. Last evaluated: 2024-06-29. Review status: criteria provided, single submitter. Criteria: ACMG Guidelines, 2015. Collection method: clinical testing. Allele origin: germline.

Ambry Genetics
Classification: Likely benign for Cardiovascular phenotype. Last evaluated: 2023-01-14. Review status: criteria provided, single submitter. Criteria: Ambry Variant Classification Scheme 2023. Collection method: clinical testing. Allele origin: germline.